The following is an entry in ClinVar:

NM_024422.6(DSC2):c.1314del (p.Asn439fs)

Gene: DSC2 (desmocollin 2; minus strand). Cytogenetic location: 18q12.1.
Variant type: Deletion.
Coding change: c.1314del on transcript NM_024422.6 (MANE Select); coding-DNA position 1314, one base deleted (T; older notation c.1314delT).
Protein change: p.Asn439fs; shifts the reading frame from asparagine 439.
Molecular consequence: frameshift variant.
Genome position (GRCh38, 1-based): chr18:31,080,302, A deleted on the plus strand (T on the coding strand, the reverse complement: DSC2 is on the minus strand); the first of 2 consecutive A bases (chr18:31,080,302-31,080,303); deleting either gives the same sequence. VCF-style (leftmost placement, unchanged base first): chr18-31080301-TA-T. GRCh37 (hg19) VCF-style: chr18-28660267-TA-T.
Other names: c.885del, p.Asn296fs (NM_001406506.1, NM_001406507.1); c.1314del, p.Asn439fs (NM_004949.5); short protein forms N296fs, N439fs.
Identifiers: ClinVar variation 3724622 (VCV003724622.2).
Genomic context (GRCh38, chr18:31,080,301, plus strand): 5'-TAACTGTTGCTGTGCTCATGGCTGATCTTGGACTAGCCTCTCTGGAAAATGGAGCTTCAT[TA>T]ACTACACCAATTTGCAAGATCATCTGTTGCTTTTCTTCATAATTCAAAGGCTACGAAAGC-3'

ClinVar aggregate classification (germline): Pathogenic (1 of 4 stars; one submission).

Conditions:
Arrhythmogenic right ventricular dysplasia 11. Also called: ARRHYTHMOGENIC RIGHT VENTRICULAR DYSPLASIA, FAMILIAL, 11; Arrhythmogenic Right Ventricular Dysplasia/Cardiomyopathy11; Arrhythmogenic right ventricular dysplasia 11 with mild palmoplantar keratoderma and woolly hair. Identifiers: MedGen C1864850, MONDO:0012506, OMIM 610476.

Submission:

Labcorp Genetics (formerly Invitae), Labcorp
Classification: Pathogenic for Arrhythmogenic right ventricular dysplasia 11. Last evaluated: 2024-11-04. Review status: criteria provided, single submitter. Criteria: Invitae Variant Classification Sherloc (09022015). Collection method: clinical testing. Allele origin: germline.
Comment: This sequence change creates a premature translational stop signal (p.Asn439Metfs*15) in the DSC2 gene. It is expected to result in an absent or disrupted protein product. Loss-of-function variants in DSC2 are known to be pathogenic (PMID: 23911551). This variant is not present in population databases (gnomAD no frequency). This variant has not been reported in the literature in individuals affected with DSC2-related conditions. For these reasons, this variant has been classified as Pathogenic.

Literature cited by the submitters: PubMed 23911551.